The following is an entry in ClinVar:

NM_000518.4(HBB):c.142G>A (p.Asp48Asn)

Genes: HBB (hemoglobin subunit beta; minus strand), LOC106099062 (HBB recombination region; plus strand), LOC107133510 (origin of replication at HBB; plus strand). Cytogenetic location: 11p15.4.
Variant type: single nucleotide variant.
Coding change: c.142G>A on transcript NM_000518.4; coding-DNA position 142, G replaced by A.
Protein change: p.Asp48Asn; replaces aspartic acid 48 with asparagine.
Molecular consequence: missense variant (on NM_000518.5).
Genome position (GRCh38, 1-based): chr11:5,226,750, C>T on the plus strand (G>A on the coding strand, the complement: HBB is on the minus strand). VCF-style: chr11-5226750-C-T. GRCh37 (hg19) VCF-style: chr11-5247980-C-T.
Other names: D47N; c.142G>A, p.Asp48Asn (NM_000518.5); short protein forms D48N.
Identifiers: ClinVar variation 15170 (VCV000015170.18), dbSNP rs33932070, ClinGen allele CA124851.

ClinVar aggregate classification (germline): Conflicting classifications of pathogenicity. Review status: criteria provided, conflicting classifications (1 of 4 stars). 4 submissions from 4 submitters: Uncertain significance (2); Likely benign (1). 1 of the submissions does not count toward it. Last evaluated 2025-11-24.

Conditions:
HEMOGLOBIN G (COPENHAGEN).

Allele frequency attached by ClinVar (database versions not stated): gnomAD exomes below 0.00001; TOPMed below 0.00001.
gnomAD v4.1: 1 of 1,614,122 alleles (0.000062%); highest among the groups gnomAD compares: Non-Finnish European, 0.000085%; no homozygotes.

Submissions (4):

Women's Health and Genetics/Laboratory Corporation of America, LabCorp
Classification: Uncertain significance. Last evaluated: 2025-11-24. Review status: criteria provided, single submitter. Criteria: LabCorp Variant Classification Summary - May 2015. Collection method: clinical testing. Allele origin: germline.
Comment: Variant summary: HBB c.142G>A (p.Asp48Asn) results in a conservative amino acid change in the encoded protein sequence. Algorithms developed to predict the effect of missense changes on protein structure and function are either unavailable or do not agree on the potential impact of this missense change. The variant was absent in 251436 control chromosomes. The available data on variant occurrences in the general population are insufficient to allow any conclusion about variant significance. c.142G>A has been observed in individual(s) affected with Beta Thalassemia, without strong evidence for causality (e.g. Zhang_2017, Vinciguerra_2013). It has also been reported in a compound heterozygous individual with HbS, but they had only a mild phenotype consistent with carrier status (Carcao_1999). These reports do not provide unequivocal conclusions about association of the variant with Beta Thalassemia. At least one publication reports experimental evidence evaluating an impact on protein function, however, does not allow convincing conclusions about the variant effect (Riou_2014). The following publications have been ascertained in the context of this evaluation (PMID: 26635043, 25130136, 24401016, 28143837, 10569728). ClinVar contains an entry for this variant (Variation ID: 15170). Based on the evidence outlined above, the variant was classified as uncertain significance.

ARUP Laboratories, Molecular Genetics and Genomics, ARUP Laboratories
Classification: Likely benign. Last evaluated: 2025-07-08. Review status: criteria provided, single submitter. Criteria: ARUP Molecular Germline Variant Investigation Process 2024. Collection method: clinical testing. Allele origin: germline.
Comment: The Hb G-Copenhagen variant (HBB: c.142G>A; p.Asp48Asn, also known as Asp47Asn when numbered from the mature protein; rs33932070, HbVar ID: 324) has not been reported to be associated with any clinically significant symptoms in heterozygous carriers (Chen 1985, Schiliro 1981, Sick 1967). This hemoglobin variant is also reported to have normal relative stability (see HbVar database link). This variant is absent from the Genome Aggregation Database (v2.1.1), indicating it is not a common polymorphism. Computational analyses are uncertain whether this variant is neutral or deleterious (REVEL: 0.349). Although the effect of this variant when paired with a pathogenic HBB variant is unknown, given no reported association with a clinical phenotype, and its normal relative stability, this variant is considered to be likely benign. References: Link to HbVar database: Chen SS et al. HB G-Copenhagen or alpha 2 beta 2(47) (CD6) Asp----Asn observed in a black newborn. Hemoglobin. 1985;9(4):405-408. PMID: 4077558. Schiliro G et al. Hemoglobin G Copenhagen beta 47 (CD6) Asp leads to Asn in a Sicilian family. Hemoglobin. 1981;5(2):195-198. PMID: 7216819. Sick K et al. Haemoglobin G Copenhagen and haemoglobin J Cambridge. Two new beta-chain variants of haemoglobin A. Biochim Biophys Acta. 1967;140(2):231-242. PMID: 6048303.

Quest Diagnostics Nichols Institute San Juan Capistrano
Classification: Uncertain significance. Last evaluated: 2025-04-01. Review status: criteria provided, single submitter. Criteria: Quest Diagnostics criteria. Collection method: clinical testing. Allele origin: unknown.
Comment: The HBB c.142G>A (p.Asp48Asn) variant also known as Hb G-Copenhagen, is reported to have normal stability (HbVar).Individuals heterozygous for this variant have a normal clinical presentation (HbVar, PMID: 24401016 (2016)).This variant has not been reported in large, multi-ethnic general populations (Genome Aggregation Database). Analysis of this variant using bioinformatics tools for the prediction of the effect of amino acid changes on protein structure and function yielded conflicting predictions that this variant is deleterious or benign. Based on the available information, we are unable to determine the clinical significance of this variant.

OMIM
Classification: other for HEMOGLOBIN G (COPENHAGEN). Last evaluated: 2017-12-12. Review status: no assertion criteria provided. Collection method: literature only. Allele origin: germline. Not counted in ClinVar's aggregate classification.

Literature cited by the submitters: PubMed 26635043 (cited by Women's Health and Genetics/Laboratory Corporation of America, LabCorp and Quest Diagnostics Nichols Institute San Juan Capistrano); PubMed 25130136 (cited by Women's Health and Genetics/Laboratory Corporation of America, LabCorp and Quest Diagnostics Nichols Institute San Juan Capistrano); PubMed 24401016 (cited by Women's Health and Genetics/Laboratory Corporation of America, LabCorp and Quest Diagnostics Nichols Institute San Juan Capistrano); PubMed 28143837 (cited by Women's Health and Genetics/Laboratory Corporation of America, LabCorp and Quest Diagnostics Nichols Institute San Juan Capistrano); PubMed 10569728 (cited by Women's Health and Genetics/Laboratory Corporation of America, LabCorp); PubMed 32482156 (cited by Quest Diagnostics Nichols Institute San Juan Capistrano); PubMed 6048303 (cited by OMIM); PubMed 7338474 (cited by OMIM); PubMed 3839773 (cited by OMIM).